The following is an entry in ClinVar:

ClinVar aggregate classification (germline): Uncertain significance. Review status: criteria provided, multiple submitters, no conflicts (2 of 4 stars). 6 submissions from 6 submitters: Uncertain significance (5). 1 of the submissions does not count toward it. Last evaluated 2025-03-24.

Conditions:
Medulloblastoma (MDB). Also called: MEDULLOBLASTOMA PREDISPOSITION SYNDROME; Medulloblastoma, somatic. Identifiers: Orphanet 616, MedGen C0025149, MeSH D008527, MONDO:0007959, OMIM 155255, HP:0002885.
Familial dysautonomia. Also called: FD; HSAN III. Identifiers: Orphanet 1764, MedGen C0013364, MONDO:0009131, OMIM 223900. Disease mechanism: loss of function.

Allele frequency attached by ClinVar (database versions not stated): ExAC 0.00003; TOPMed 0.00003; gnomAD exomes 0.00004; gnomAD 0.00005 and 0.00006; ESP Exome Variant Server 0.00015.

Submissions (6):

Labcorp Genetics (formerly Invitae), Labcorp
Classification: Uncertain significance. Last evaluated: 2025-03-24. Review status: criteria provided, single submitter. Criteria: Invitae Variant Classification Sherloc (09022015). Collection method: clinical testing. Allele origin: germline.
Comment: This sequence change replaces arginine, which is basic and polar, with glutamine, which is neutral and polar, at codon 27 of the ELP1 protein (p.Arg27Gln). This variant is present in population databases (rs375666523, gnomAD 0.008%). This variant has not been reported in the literature in individuals affected with ELP1-related conditions. ClinVar contains an entry for this variant (Variation ID: 246586). Invitae Evidence Modeling of protein sequence and biophysical properties (such as structural, functional, and spatial information, amino acid conservation, physicochemical variation, residue mobility, and thermodynamic stability) has been performed for this missense variant. However, the output from this modeling did not meet the statistical confidence thresholds required to predict the impact of this variant on ELP1 protein function. In summary, the available evidence is currently insufficient to determine the role of this variant in disease. Therefore, it has been classified as a Variant of Uncertain Significance.

Ambry Genetics
Classification: Uncertain significance. Last evaluated: 2024-03-12. Review status: criteria provided, single submitter. Criteria: Ambry Variant Classification Scheme 2023. Collection method: clinical testing. Allele origin: germline.

Fulgent Genetics
Classification: Uncertain significance for Medulloblastoma; Familial dysautonomia. Last evaluated: 2022-01-28. Review status: criteria provided, single submitter. Criteria: ACMG Guidelines, 2015. Collection method: clinical testing. Allele origin: unknown.

Mayo Clinic Laboratories, Mayo Clinic
Classification: Uncertain significance. Last evaluated: 2021-09-15. Review status: criteria provided, single submitter. Criteria: ACMG Guidelines, 2015. Collection method: clinical testing. Allele origin: germline.

GeneDx
Classification: Uncertain significance. Last evaluated: 2016-05-25. Review status: criteria provided, single submitter. Criteria: GeneDx Variant Classification (06012015). Collection method: clinical testing. Allele origin: germline. Affected: yes.
Comment: The R27Q variant has not been published as a pathogenic variant, nor has it been reported as a benign variant to our knowledge. It was not observed with any significant frequency in approximately 6,500 individuals of European and African American ancestry in the NHLBI Exome Sequencing Project. The R27Q variant is a semi-conservative amino acid substitution, which may impact secondary protein structure as these residues differ in some properties. This substitution occurs at a position that is conserved across species. In silico analysis is inconsistent in its predictions as to whether or not the variant is damaging to the protein structure/function. Therefore, based on the currently available information, it is unclear whether this variant is a pathogenic variant or a rare benign variant.

Natera, Inc.
Classification: Uncertain significance for Familial dysautonomia. Last evaluated: 2020-09-16. Review status: no assertion criteria provided. Collection method: clinical testing. Allele origin: germline. Not counted in ClinVar's aggregate classification.

NM_003640.5(ELP1):c.80G>A (p.Arg27Gln)

Gene: ELP1 (elongator acetyltransferase complex subunit 1; minus strand). Cytogenetic location: 9q31.3.
Variant type: single nucleotide variant.
Coding change: c.80G>A on transcript NM_003640.5 (MANE Select); coding-DNA position 80, G replaced by A.
Protein change: p.Arg27Gln; replaces arginine 27 with glutamine.
Molecular consequence: missense variant. On other transcripts: 5 prime UTR variant (1), intron variant (1).
Genome position (GRCh38, 1-based): chr9:108,931,067, C>T on the plus strand (G>A on the coding strand, the complement: ELP1 is on the minus strand). VCF-style: chr9-108931067-C-T. GRCh37 (hg19) VCF-style: chr9-111693347-C-T.
Other names: p.Arg27Gln; c.80G>A (LRG_251t1, NM_003640.4); c.-780G>A (NM_001330749.2); c.-252-11G>A (NM_001318360.2); short protein forms R27Q.
Identifiers: ClinVar variation 246586 (VCV000246586.14), dbSNP rs375666523, ClinGen allele CA5175470.
Genomic context (GRCh38, chr9:108,931,067, plus strand): 5'-ACAGGGTCTACTTCTATCAGGCCATGTTCTGAACCAATGAGCACCGTCCCCTGTTCAGTT[C>T]GGAGAGAGAAGCACTGAGGATTCCCTGGACCTTGAATATCCCTGAACTCCAGGGTCCGAA-3'
Protein context (NP_003631.2, residues 17-37): GPGNPQCFSL[Arg27Gln]TEQGTVLIGS